The following is an entry in ClinVar:

ClinVar aggregate classification (germline): Pathogenic/Likely pathogenic. Review status: criteria provided, multiple submitters, no conflicts (2 of 4 stars). 2 submissions from 2 submitters: Pathogenic (1); Likely pathogenic (1). Last evaluated 2024-08-12.

Conditions:
Metaphyseal chondrodysplasia, McKusick type (CHH). Also called: Cartilage-Hair Hypoplasia (CHH); Cartilage-hair hypoplasia. Identifiers: Orphanet 175, MedGen C0220748, MONDO:0009595, OMIM 250250.
Anauxetic dysplasia. Identifiers: Orphanet 93347, MedGen C1846796, MONDO:0011773.

Submissions (2):

Women's Health and Genetics/Laboratory Corporation of America, LabCorp
Classification: Likely pathogenic for Metaphyseal chondrodysplasia, McKusick type. Last evaluated: 2024-08-12. Review status: criteria provided, single submitter. Criteria: LabCorp Variant Classification Summary - May 2015. Collection method: clinical testing. Allele origin: germline.
Comment: Variant summary: RMRP n.-23_1dup24 is located in the promoter region of the RMRP gene which is located between the TATA box (at position -33 to -25) and the transcription initiation site (at +1). Other insertions or duplications in the promoter region of RMRP have been classified as pathogenic (internally and in ClinVar). The variant was absent in 128028 control chromosomes (gnomAD). To our knowledge, no occurrence of n.-23_1dup24 in individuals affected with Cartilage-Hair Hypoplasia and no experimental evidence demonstrating its impact on protein function have been reported. Many other insertions or duplications in the promoter region of RMRP have been reported in affected individuals in the literature (e.g. PMIDs: 21956908, 21396580) and have been demonstrated through functional studies to lead to reduced RMRP transcription (e.g. PMIDs: 11207361, 16254002). ClinVar contains an entry for this variant (Variation ID: 1457701). Based on the evidence outlined above, the variant was classified as likely pathogenic.

Labcorp Genetics (formerly Invitae), Labcorp
Classification: Pathogenic for Anauxetic dysplasia. Last evaluated: 2023-05-11. Review status: criteria provided, single submitter. Criteria: Invitae Variant Classification Sherloc (09022015). Collection method: clinical testing. Allele origin: germline.
Comment: This variant occurs in the RMRP gene, which encodes an RNA molecule that does not result in a protein product. This variant is not present in population databases (gnomAD no frequency). While this particular variant has not been reported in the literature, it is located in the promoter region between the TATA box and the transcription initiation site, and other insertions and duplications immediately upstream of the coding sequence have been reported in individuals affected with cartilage-hair hypoplasia-anauxetic dysplasia (CHH-AD) spectrum disorders (PMID: 16244706, 11207361, 12107819). Experimental studies and prediction algorithms are not available or were not evaluated, and the functional significance of this variant is currently unknown. While functional studies for this variant have not been reported, experimental analyses using patient derived cells, as well as in vitro transfection studies, have shown that promoter insertions result in silencing of RMRP transcription and reduced expression of the gene product (PMID: 11207361, 16254002). Algorithms developed to predict the effect of sequence changes on RNA splicing suggest that this variant may disrupt the consensus splice site. For these reasons, this variant has been classified as Pathogenic.

Literature cited by the submitters: PubMed 16244706 (cited by Labcorp Genetics (formerly Invitae), Labcorp); PubMed 11207361 (cited by Labcorp Genetics (formerly Invitae), Labcorp); PubMed 12107819 (cited by Labcorp Genetics (formerly Invitae), Labcorp); PubMed 16254002 (cited by Labcorp Genetics (formerly Invitae), Labcorp).

NC_000009.12:g.35658018_35658041dup

Gene: RMRP (RNA component of mitochondrial RNA processing endoribonuclease; minus strand). Cytogenetic location: 9p13.3.
Variant type: Duplication.
Genome position: GRCh38 VCF-style: chr9-35658017-C-CCACGTCCTCAGCTTCACAGAGTAG. GRCh37 (hg19) VCF-style: chr9-35658014-C-CCACGTCCTCAGCTTCACAGAGTAG.
Identifiers: ClinVar variation 1457701 (VCV001457701.7), dbSNP rs2131809417, ClinGen allele CA2573144647.